The following is an entry in ClinVar:

NM_000051.4(ATM):c.8671+6T>C

Genes: ATM (ATM serine/threonine kinase; plus strand), C11orf65 (chromosome 11 open reading frame 65; minus strand). Cytogenetic location: 11q22.3.
Variant type: single nucleotide variant.
Coding change: c.8671+6T>C on transcript NM_000051.4 (MANE Select); 6 bases into the intron after coding-DNA position 8671, T replaced by C.
Molecular consequence: intron variant.
Genome position (GRCh38, 1-based): chr11:108,347,371, T>C. VCF-style: chr11-108347371-T-C. GRCh37 (hg19) VCF-style: chr11-108218098-T-C.
Other names: c.8671+6T>C (NM_001351834.2); c.641-38300A>G (NM_001330368.2); c.695-12079A>G (NM_001351110.2).
Identifiers: ClinVar variation 1046397 (VCV001046397.9), dbSNP rs2088568547, ClinGen allele CA1998817888.

ClinVar aggregate classification (germline): Uncertain significance (1 of 4 stars; one submission).

Conditions:
Ataxia-telangiectasia syndrome (AT). Also called: Ataxia telangiectasia (A-T); ATAXIA-TELANGIECTASIA, COMPLEMENTATION GROUP A; ATAXIA-TELANGIECTASIA, FRESNO VARIANT; Ataxia-telangiectasia; Ataxia-telangiectasia, complementation group E; LOUIS-BAR SYNDROME. Identifiers: Orphanet 100, MedGen C0004135, MONDO:0008840, OMIM 208900.

Submission:

Labcorp Genetics (formerly Invitae), Labcorp
Classification: Uncertain significance for Ataxia-telangiectasia syndrome. Last evaluated: 2022-01-31. Review status: criteria provided, single submitter. Criteria: Invitae Variant Classification Sherloc (09022015). Collection method: clinical testing. Allele origin: germline.
Comment: In summary, the available evidence is currently insufficient to determine the role of this variant in disease. Therefore, it has been classified as a Variant of Uncertain Significance. Variants that disrupt the consensus splice site are a relatively common cause of aberrant splicing (PMID: 17576681, 9536098). Algorithms developed to predict the effect of sequence changes on RNA splicing suggest that this variant is not likely to affect RNA splicing. ClinVar contains an entry for this variant (Variation ID: 1046397). This variant has not been reported in the literature in individuals affected with ATM-related conditions. This variant is not present in population databases (gnomAD no frequency). This sequence change falls in intron 59 of the ATM gene. It does not directly change the encoded amino acid sequence of the ATM protein. It affects a nucleotide within the consensus splice site.

Literature cited by the submitters: PubMed 17576681; PubMed 9536098.